The following is an entry in ClinVar:

ClinVar aggregate classification (germline): Uncertain significance (1 of 4 stars; one submission).

Conditions:
Familial sleep-related hypermotor epilepsy. Also called: Autosomal Dominant Sleep-Related Hypermotor (Hyperkinetic) Epilepsy. Identifiers: Orphanet 98784, MedGen C3696898, MONDO:0000030.

Submission:

Labcorp Genetics (formerly Invitae), Labcorp
Classification: Uncertain significance. Last evaluated: 2019-03-27. Review status: criteria provided, single submitter. Criteria: Invitae Variant Classification Sherloc (09022015). Collection method: clinical testing. Allele origin: germline.
Comment: This variant results in a copy number gain of the genomic region encompassing the full coding sequence of the CHRNA4 gene. The boundaries of this event are unknown as they extend beyond the assayed region for this gene and therefore may encompass additional genes. As the precise location of this event is unknown, it may be in tandem or it may be located elsewhere in the genome. This variant has not been reported in the literature in individuals with CHRNA4-related conditions. Experimental studies and prediction algorithms are not available for this variant, and the functional significance of the affected amino acid(s) is currently unknown. In summary, the available evidence is currently insufficient to determine the role of this variant in disease. Therefore, it has been classified as a Variant of Uncertain Significance.

NC_000020.11:g.(?_63346204)_(63361854_?)dup

Gene: CHRNA4 (cholinergic receptor nicotinic alpha 4 subunit; minus strand). Cytogenetic location: 20q13.33.
Variant type: Duplication.
Identifiers: ClinVar variation 831209 (VCV000831209.1).